The following is an entry in ClinVar:

NM_000370.3(TTPA):c.128_129insCGTATCATTC (p.Pro44fs)

Gene: TTPA (alpha tocopherol transfer protein; minus strand). Cytogenetic location: 8q12.3.
Variant type: Insertion.
Coding change: c.128_129insCGTATCATTC on transcript NM_000370.3 (MANE Select); coding-DNA positions 128 to 129, CGTATCATTC inserted.
Protein change: p.Pro44fs; shifts the reading frame from proline 44.
Molecular consequence: frameshift variant. On other transcripts: non-coding transcript variant (3).
Genome position: GRCh38 VCF-style: chr8-63085893-C-CGAATGATACG. GRCh37 (hg19) VCF-style: chr8-63998452-C-CGAATGATACG.
Other names: c.128_129insCGTATCATTC, p.Pro44fs (NM_001413414.1, NM_001413415.1, NM_001413416.1 and 2 more transcripts); short protein forms P44fs.
Identifiers: ClinVar variation 5011263 (VCV005011263.1).

ClinVar aggregate classification (germline): Pathogenic (1 of 4 stars; one submission).

Conditions:
Familial isolated deficiency of vitamin E (AVED). Also called: ATAXIA, FRIEDREICH-LIKE, WITH SELECTIVE VITAMIN E DEFICIENCY; Ataxia with isolated vitamin E deficiency. Identifiers: Orphanet 96, MedGen C1848533, MONDO:0010188, OMIM 277460.

Submission:

Myriad Genetics, Inc.
Classification: Pathogenic for Familial isolated deficiency of vitamin E. Last evaluated: 2023-08-08. Review status: criteria provided, single submitter. Criteria: Myriad Autosomal Dominant, Autosomal Recessive and X-Linked Classification Criteria (2023). Collection method: clinical testing. Allele origin: unknown.
Comment: NM_000370.3(TTPA):c.128_129ins10(P44Vfs*35) is expected to be pathogenic in the context of ataxia with vitamin E deficiency. This variant is predicted to lead to an abnormal or absent protein product due to the creation of a premature termination codon in TTPA, a gene where loss-of-function variants are known to be pathogenic. Please note: this variant was assessed in the context of healthy population screening.